The following is an entry in ClinVar:

ClinVar aggregate classification (germline): Pathogenic (1 of 4 stars; one submission).

Submission:

Medical Genetic Center, Changzhi Maternal and Child Health Care Hospital
Classification: Pathogenic. Last evaluated: 2025-12-10. Review status: criteria provided, single submitter. Criteria: ACMG/ClinGen CNV Guidelines, 2019. Collection method: clinical testing. Allele origin: unknown.
Comment: 2A: 17p12 recurrent (HNPP/CMT1A) region (includes PMP22)

GRCh38/hg38 17p12(chr17:14179738-15561013)x3

Genes: CDRT15 (CMT1A duplicated region transcript 15; minus strand), CDRT3 (CMT1A duplicated region transcript 3; minus strand), CDRT4 (CMT1A duplicated region transcript 4; minus strand), CDRT7 (CMT1A duplicated region transcript 7; plus strand), CDRT8 (CMT1A duplicated region transcript 8; minus strand) and 22 more. Cytogenetic location: 17p12.
Variant type: copy number gain.
Change: copy number 3 (three copies instead of two) of chr17:14,179,738-15,561,013 (1.38 Mb, GRCh38 coordinates, 1-based), cytogenetic band 17p12.
Identifiers: ClinVar variation 4796058 (VCV004796058.1).